The following is an entry in ClinVar:

ClinVar aggregate classification (germline): Likely benign. Review status: criteria provided, multiple submitters, no conflicts (2 of 4 stars). 3 submissions from 3 submitters: Likely benign (3). Last evaluated 2024-10-28.

Conditions:
RYR1-related disorder. Also called: RYR1-related disorders; RYR1-related condition. Identifiers: MedGen CN239331.
Malignant hyperthermia, susceptibility to, 1 (MHS1). Also called: Anesthesia related hyperthermia; Malignant hyperpyrexia; Fulminating hyperpyrexia; Pharmacogenic myopathy; RYR1-Related Malignant Hyperthermia Susceptibility; Malignant hyperthermia suceptibility 1. Identifiers: Orphanet 423, MedGen C2930980, MONDO:0007783, OMIM 145600.

Allele frequency attached by ClinVar (database versions not stated): ExAC 0.00002; gnomAD exomes 0.00002 and 0.00005; TOPMed 0.00003; gnomAD 0.00004.
gnomAD v4.1: 34 of 1,613,714 alleles (0.0021%); highest among the groups gnomAD compares: South Asian, 0.014%; 1 homozygote.

Submissions (3):

Labcorp Genetics (formerly Invitae), Labcorp
Classification: Likely benign for RYR1-related disorder. Last evaluated: 2024-10-28. Review status: criteria provided, single submitter. Criteria: Invitae Variant Classification Sherloc (09022015). Collection method: clinical testing. Allele origin: germline.

All of Us Research Program, National Institutes of Health
Classification: Likely benign for Malignant hyperthermia, susceptibility to, 1. Last evaluated: 2023-11-20. Review status: criteria provided, single submitter. Criteria: ACMG Guidelines, 2015. Collection method: clinical testing. Allele origin: germline. Inheritance: Autosomal dominant inheritance. Observed: 6 variant alleles, 6 heterozygotes.
Comment: This study involves interpretation of variants in research participants for the purpose of population health screening. Participant phenotype was not available at the time of variant classification. Additional details can be found in publication PMID: 35346344, PMCID: PMC8962531

PreventionGenetics, part of Exact Sciences
Classification: Likely benign. Last evaluated: 2018-06-05. Review status: criteria provided, single submitter. Criteria: ACMG Guidelines, 2015. Collection method: clinical testing. Allele origin: germline.

NM_000540.3(RYR1):c.8068-12C>T

Gene: RYR1 (ryanodine receptor 1; plus strand). Cytogenetic location: 19q13.2.
Variant type: single nucleotide variant.
Coding change: c.8068-12C>T on transcript NM_000540.3 (MANE Select); 12 bases into the intron before coding-DNA position 8068, C replaced by T.
Molecular consequence: intron variant.
Genome position (GRCh38, 1-based): chr19:38,504,736, C>T. VCF-style: chr19-38504736-C-T. GRCh37 (hg19) VCF-style: chr19-38995376-C-T.
Other names: c.8068-12C>T (NM_001042723.2).
Identifiers: ClinVar variation 590605 (VCV000590605.12), dbSNP rs576773729, ClinGen allele CA071382.